The following is an entry in ClinVar:

NM_024915.4(GRHL2):c.1705G>C (p.Glu569Gln)

Gene: GRHL2 (grainyhead like transcription factor 2; plus strand). Cytogenetic location: 8q22.3.
Variant type: single nucleotide variant.
Coding change: c.1705G>C on transcript NM_024915.4 (MANE Select); coding-DNA position 1705, G replaced by C.
Protein change: p.Glu569Gln; replaces glutamic acid 569 with glutamine.
Molecular consequence: missense variant.
Genome position (GRCh38, 1-based): chr8:101,664,460, G>C. VCF-style: chr8-101664460-G-C. GRCh37 (hg19) VCF-style: chr8-102676688-G-C.
Other names: c.1657G>C, p.Glu553Gln (NM_001330593.2); short protein forms E569Q, E553Q.
Identifiers: ClinVar variation 2795025 (VCV002795025.3), dbSNP rs2536998630, ClinGen allele CA371596425.

ClinVar aggregate classification (germline): Uncertain significance (1 of 4 stars; one submission).

Submission:

Labcorp Genetics (formerly Invitae), Labcorp
Classification: Uncertain significance. Last evaluated: 2024-01-15. Review status: criteria provided, single submitter. Criteria: Invitae Variant Classification Sherloc (09022015). Collection method: clinical testing. Allele origin: germline.
Comment: This sequence change replaces glutamic acid, which is acidic and polar, with glutamine, which is neutral and polar, at codon 569 of the GRHL2 protein (p.Glu569Gln). This variant is not present in population databases (gnomAD no frequency). This variant has not been reported in the literature in individuals affected with GRHL2-related conditions. Advanced modeling of protein sequence and biophysical properties (such as structural, functional, and spatial information, amino acid conservation, physicochemical variation, residue mobility, and thermodynamic stability) performed at Invitae indicates that this missense variant is not expected to disrupt GRHL2 protein function with a negative predictive value of 80%. In summary, the available evidence is currently insufficient to determine the role of this variant in disease. Therefore, it has been classified as a Variant of Uncertain Significance.